The following is an entry in ClinVar:

NM_015346.4(ZFYVE26):c.4401C>T (p.Pro1467=)

Gene: ZFYVE26 (zinc finger FYVE-type containing 26; minus strand). Cytogenetic location: 14q24.1.
Variant type: single nucleotide variant.
Coding change: c.4401C>T on transcript NM_015346.4 (MANE Select); coding-DNA position 4401, C replaced by T.
Protein change: p.Pro1467=; no amino-acid change (proline 1467 retained).
Molecular consequence: synonymous variant.
Genome position (GRCh38, 1-based): chr14:67,781,501, G>A on the plus strand (C>T on the coding strand, the complement: ZFYVE26 is on the minus strand). VCF-style: chr14-67781501-G-A. GRCh37 (hg19) VCF-style: chr14-68248218-G-A.
Identifiers: ClinVar variation 313895 (VCV000313895.54), dbSNP rs138543433, ClinGen allele CA7239770.

ClinVar aggregate classification (germline): Conflicting classifications of pathogenicity. Review status: criteria provided, conflicting classifications (1 of 4 stars). 4 submissions from 4 submitters: Uncertain significance (1); Benign (1); Likely benign (2). Last evaluated 2026-04-01.

Conditions:
Spastic paraplegia. Identifiers: MedGen C0037772, HP:0001258.
Hereditary spastic paraplegia 15 (SPG15). Also called: KJELLIN SYNDROME; SPASTIC PARAPLEGIA AND RETINAL DEGENERATION; SPASTIC PARAPLEGIA 15, AUTOSOMAL RECESSIVE. Identifiers: Orphanet 100996, MedGen C1849128, MONDO:0010044, OMIM 270700.
ZFYVE26-related disorder. Also called: ZFYVE26-related condition.

Allele frequency attached by ClinVar (database versions not stated): 1000 Genomes Project 30x 0.00031; 1000 Genomes Project 0.00040; TOPMed 0.00040; ESP Exome Variant Server 0.00062; ExAC 0.00117; gnomAD exomes 0.00135; gnomAD 0.00141 and 0.00148.
gnomAD v4.1: 1,433 of 1,614,092 alleles (0.089%); highest among the groups gnomAD compares: Non-Finnish European, 0.06%; 5 homozygotes.

Submissions (4):

CeGaT Center for Human Genetics Tuebingen
Classification: Likely benign. Last evaluated: 2026-04-01. Review status: criteria provided, single submitter. Criteria: CeGaT Center For Human Genetics Tuebingen Variant Classification Criteria Version 2. Collection method: clinical testing. Allele origin: germline. Affected: yes. Observed: 12 variant alleles.
Comment: ZFYVE26: BP4, BP7

Labcorp Genetics (formerly Invitae), Labcorp
Classification: Benign for Spastic paraplegia. Last evaluated: 2026-01-28. Review status: criteria provided, single submitter. Criteria: Invitae Variant Classification Sherloc (09022015). Collection method: clinical testing. Allele origin: germline.

PreventionGenetics, part of Exact Sciences
Classification: Likely benign for ZFYVE26-related condition. Last evaluated: 2025-06-10. Review status: criteria provided, single submitter. Criteria: ACMG Guidelines, 2015. Collection method: clinical testing. Allele origin: germline.
Comment: This variant is classified as likely benign based on ACMG/AMP sequence variant interpretation guidelines (Richards et al. 2015 PMID: 25741868, with internal and published modifications).

Illumina Laboratory Services, Illumina
Classification: Uncertain significance for Hereditary spastic paraplegia 15. Last evaluated: 2018-01-13. Review status: criteria provided, single submitter. Criteria: ICSL Variant Classification Criteria 13 December 2019. Collection method: clinical testing. Allele origin: germline.